The following is an entry in ClinVar:

NM_000091.5(COL4A3):c.1572dup (p.Pro525fs)

Genes: COL4A3 (collagen type IV alpha 3 chain; plus strand), MFF-DT (MFF divergent transcript; minus strand). Cytogenetic location: 2q36.3.
Variant type: Duplication.
Coding change: c.1572dup on transcript NM_000091.5 (MANE Select); coding-DNA position 1572, one base duplicated (T; older notation c.1572dupT).
Protein change: p.Pro525fs; shifts the reading frame from proline 525.
Molecular consequence: frameshift variant.
Genome position (GRCh38, 1-based): chr2:227,269,977, T duplicated; the last of 3 consecutive T bases (chr2:227,269,975-227,269,977); duplicating any one gives the same sequence. VCF-style (leftmost placement, unchanged base first): chr2-227269974-A-AT. GRCh37 (hg19) VCF-style: chr2-228134690-A-AT.
Other names: short protein forms P525fs.
Identifiers: ClinVar variation 1724925 (VCV001724925.2), dbSNP rs2469677840, ClinGen allele CA2580065886.
Genomic context (GRCh38, chr2:227,269,974, plus strand): 5'-ACAAGGCGCAGCTGGCTTGAAAGGAAGCCCAGGGTCCCCAGGAAATACAGGTCTTCCAGG[A>AT]TTTCCAGTAAGATTTCATGTTTTTAAATCTTTAGCTTCAATTTGACAAATTGCACACTCT-3'

ClinVar aggregate classification (germline): Likely pathogenic (1 of 4 stars; one submission).

Conditions:
Autosomal recessive Alport syndrome (ATS2). Also called: COL4A3-Related Nephropathy; COL4A4 Alport Syndrome and Thin Basement Membrane Nephropathy; ALPORT SYNDROME 2, AUTOSOMAL RECESSIVE; Alport syndrome type 2. Identifiers: Orphanet 63, Orphanet 88919, MedGen C4746745, MONDO:0008762, OMIM 203780.

Submission:

Myriad Genetics, Inc.
Classification: Likely pathogenic for Autosomal recessive Alport syndrome. Last evaluated: 2022-03-02. Review status: criteria provided, single submitter. Criteria: Myriad Women's Health Autosomal Recessive and X-Linked Classification Criteria (2021). Collection method: clinical testing. Allele origin: unknown.
Comment: NM_000091.4(COL4A3):c.1572dupT(P525Sfs*9) is expected to be pathogenic in the context of COL4A3-related Alport syndrome. This variant is predicted to lead to an abnormal or absent protein product due to the creation of a premature termination codon in COL4A3, a gene where loss-of-function variants are known to be pathogenic. Please note: this variant was assessed in the context of healthy population screening.